The following is an entry in ClinVar:

ClinVar aggregate classification (germline): Conflicting classifications of pathogenicity. Review status: criteria provided, conflicting classifications (1 of 4 stars). 4 submissions from 4 submitters: Uncertain significance (2); Likely benign (1). 1 of the submissions does not count toward it. Last evaluated 2026-03-03.

Conditions:
Autosomal recessive limb-girdle muscular dystrophy type 2I. Also called: MUSCULAR DYSTROPHY-DYSTROGLYCANOPATHY, LIMB-GIRDLE, FRKP-RELATED; MUSCULAR DYSTROPHY, LIMB-GIRDLE, TYPE 2I; MUSCULAR DYSTROPHY-DYSTROGLYCANOPATHY (LIMB-GIRDLE), TYPE C, 5. Identifiers: Orphanet 34515, MedGen C1846672, MONDO:0011787, OMIM 607155.
Cardiovascular phenotype. Identifiers: MedGen CN230736.
Walker-Warburg congenital muscular dystrophy. Also called: Muscular dystrophy-dystroglycanopathy, type A; Walker-Warburg syndrome. Identifiers: Orphanet 899, MedGen C0265221, MONDO:0000171.

Allele frequency attached by ClinVar (database versions not stated): gnomAD 0.00001; ExAC 0.00007; TOPMed 0.00003.
gnomAD v4.1: 30 of 1,605,738 alleles (0.0019%); highest among the groups gnomAD compares: Non-Finnish European, 0.0024%; no homozygotes.

Submissions (4):

Ambry Genetics
Classification: Likely benign for Cardiovascular phenotype. Last evaluated: 2026-03-03. Review status: criteria provided, single submitter. Criteria: Ambry Variant Classification Scheme 2023. Collection method: clinical testing. Allele origin: germline.

Labcorp Genetics (formerly Invitae), Labcorp
Classification: Uncertain significance for Walker-Warburg congenital muscular dystrophy. Last evaluated: 2022-08-20. Review status: criteria provided, single submitter. Criteria: Invitae Variant Classification Sherloc (09022015). Collection method: clinical testing. Allele origin: germline.
Comment: This sequence change replaces valine, which is neutral and non-polar, with isoleucine, which is neutral and non-polar, at codon 51 of the FKRP protein (p.Val51Ile). The frequency data for this variant in the population databases is considered unreliable, as metrics indicate poor data quality at this position in the gnomAD database. This variant has not been reported in the literature in individuals affected with FKRP-related conditions. ClinVar contains an entry for this variant (Variation ID: 284482). Algorithms developed to predict the effect of missense changes on protein structure and function output the following: SIFT: "Tolerated"; PolyPhen-2: "Benign"; Align-GVGD: "Class C0". The isoleucine amino acid residue is found in multiple mammalian species, which suggests that this missense change does not adversely affect protein function. This variant disrupts the p.Val51 amino acid residue in FKRP. Other variant(s) that disrupt this residue have been determined to be pathogenic (PMID: 27439679, 30107846, 32576226). This suggests that this residue is clinically significant, and that variants that disrupt this residue are likely to be disease-causing. In summary, the available evidence is currently insufficient to determine the role of this variant in disease. Therefore, it has been classified as a Variant of Uncertain Significance.

Eurofins Ntd Llc (ga)
Classification: Uncertain significance. Last evaluated: 2016-05-31. Review status: criteria provided, single submitter. Criteria: EGL Classification Definitions 2015. Collection method: clinical testing. Allele origin: germline. Observed: 1 variant allele, 1 heterozygote.

Natera, Inc.
Classification: Uncertain significance for Limb-girdle muscular dystrophy type 2I. Last evaluated: 2020-01-24. Review status: no assertion criteria provided. Collection method: clinical testing. Allele origin: germline. Not counted in ClinVar's aggregate classification.

Literature cited by the submitters: PubMed 27439679 (cited by Labcorp Genetics (formerly Invitae), Labcorp); PubMed 30107846 (cited by Labcorp Genetics (formerly Invitae), Labcorp); PubMed 32576226 (cited by Labcorp Genetics (formerly Invitae), Labcorp).

NM_024301.5(FKRP):c.151G>A (p.Val51Ile)

Gene: FKRP (fukutin related protein; plus strand). Cytogenetic location: 19q13.32.
Variant type: single nucleotide variant.
Coding change: c.151G>A on transcript NM_024301.5 (MANE Select); coding-DNA position 151, G replaced by A.
Protein change: p.Val51Ile; replaces valine 51 with isoleucine.
Molecular consequence: missense variant.
Genome position (GRCh38, 1-based): chr19:46,755,601, G>A. VCF-style: chr19-46755601-G-A. GRCh37 (hg19) VCF-style: chr19-47258858-G-A.
Other names: c.151G>A, p.Val51Ile (NM_001039885.3); short protein forms V51I.
Identifiers: ClinVar variation 284482 (VCV000284482.12), dbSNP rs769377092, ClinGen allele CA9532117.